The following is an entry in ClinVar:

ClinVar aggregate classification (germline): Uncertain significance (1 of 4 stars; one submission).

Conditions:
Leukocyte adhesion deficiency 1 (LAD1). Also called: LEUKOCYTE ADHESION DEFICIENCY, TYPE I; LAD 1; Lymphocyte function-associated antigen 1 immunodeficiency; LFA 1 immunodeficiency. Identifiers: Orphanet 2968, Orphanet 99842, MedGen C0398738, MONDO:0007293, OMIM 116920.

Submission:

Labcorp Genetics (formerly Invitae), Labcorp
Classification: Uncertain significance for Leukocyte adhesion deficiency 1. Last evaluated: 2022-08-19. Review status: criteria provided, single submitter. Criteria: Invitae Variant Classification Sherloc (09022015). Collection method: clinical testing. Allele origin: germline.
Comment: Algorithms developed to predict the effect of missense changes on protein structure and function (SIFT, PolyPhen-2, Align-GVGD) all suggest that this variant is likely to be disruptive. This sequence change replaces valine, which is neutral and non-polar, with aspartic acid, which is acidic and polar, at codon 221 of the ITGB2 protein (p.Val221Asp). This variant is not present in population databases (gnomAD no frequency). This variant has not been reported in the literature in individuals affected with ITGB2-related conditions. In summary, the available evidence is currently insufficient to determine the role of this variant in disease. Therefore, it has been classified as a Variant of Uncertain Significance.

NM_000211.5(ITGB2):c.662T>A (p.Val221Asp)

Gene: ITGB2 (integrin subunit beta 2; minus strand). Cytogenetic location: 21q22.3.
Variant type: single nucleotide variant.
Coding change: c.662T>A on transcript NM_000211.5 (MANE Select); coding-DNA position 662, T replaced by A.
Protein change: p.Val221Asp; replaces valine 221 with aspartic acid.
Molecular consequence: missense variant.
Genome position (GRCh38, 1-based): chr21:44,901,571, A>T on the plus strand (T>A on the coding strand, the complement: ITGB2 is on the minus strand). VCF-style: chr21-44901571-A-T. GRCh37 (hg19) VCF-style: chr21-46321486-A-T.
Other names: c.662T>A, p.Val221Asp (NM_001127491.3); c.455T>A, p.Val152Asp (NM_001303238.2); short protein forms V152D, V221D.
Identifiers: ClinVar variation 1716807 (VCV001716807.6), dbSNP rs780626590, ClinGen allele CA410476117.